The following is an entry in ClinVar:

ClinVar aggregate classification (germline): Uncertain significance (1 of 4 stars; one submission).

Conditions:
Charcot-Marie-Tooth disease dominant intermediate B (CMTDIB). Also called: Charcot-Marie-Tooth disease dominant intermediate 1; CMT DI1; Charcot-Marie-Tooth disease dominant intermediate I; CHARCOT-MARIE-TOOTH NEUROPATHY, DOMINANT INTERMEDIATE B. Identifiers: Orphanet 100044, Orphanet 228179, MedGen C1847902, MONDO:0011674, OMIM 606482.

Allele frequency attached by ClinVar (database versions not stated): gnomAD exomes below 0.00001.

Submission:

Labcorp Genetics (formerly Invitae), Labcorp
Classification: Uncertain significance for Charcot-Marie-Tooth disease dominant intermediate B. Last evaluated: 2023-08-21. Review status: criteria provided, single submitter. Criteria: Invitae Variant Classification Sherloc (09022015). Collection method: clinical testing. Allele origin: germline.
Comment: In summary, the available evidence is currently insufficient to determine the role of this variant in disease. Therefore, it has been classified as a Variant of Uncertain Significance. An algorithm developed to predict the effect of missense changes on protein structure and function (PolyPhen-2) suggests that this variant is likely to be disruptive. This variant has not been reported in the literature in individuals affected with DNM2-related conditions. This variant is not present in population databases (gnomAD no frequency). This sequence change replaces glutamine, which is neutral and polar, with arginine, which is basic and polar, at codon 283 of the DNM2 protein (p.Gln283Arg).

NM_001005361.3(DNM2):c.848A>G (p.Gln283Arg)

Gene: DNM2 (dynamin 2; plus strand). Cytogenetic location: 19p13.2.
Variant type: single nucleotide variant.
Coding change: c.848A>G on transcript NM_001005361.3 (MANE Select); coding-DNA position 848, A replaced by G.
Protein change: p.Gln283Arg; replaces glutamine 283 with arginine.
Molecular consequence: missense variant.
Genome position (GRCh38, 1-based): chr19:10,783,119, A>G. VCF-style: chr19-10783119-A-G. GRCh37 (hg19) VCF-style: chr19-10893795-A-G.
Other names: c.848A>G, p.Gln283Arg (NM_001005360.3, NM_001005362.3, NM_001190716.2 and 1 more transcripts); short protein forms Q283R.
Identifiers: ClinVar variation 2728240 (VCV002728240.3), dbSNP rs1568298199, ClinGen allele CA404045462.
Genomic context (GRCh38, chr19:10,783,119, plus strand): 5'-CGGCCTACCGGCACATGGCCGACCGCATGGGCACGCCACATCTGCAGAAGACGCTGAATC[A>G]GGTACTGCAAGGGTTTGCACGTAGTGTGCAGTGGCATAGGCTGTGCACTGCACAACAGCT-3'
Protein context (NP_001005361.1, residues 273-293): GTPHLQKTLN[Gln283Arg]QLTNHIRESL